The following is an entry in ClinVar:

ClinVar aggregate classification (germline): Uncertain significance (1 of 4 stars; one submission).

Conditions:
Cardiovascular phenotype. Identifiers: MedGen CN230736.

Submission:

Ambry Genetics
Classification: Uncertain significance for Cardiovascular phenotype. Last evaluated: 2017-12-14. Review status: criteria provided, single submitter. Criteria: Ambry Variant Classification Scheme 2023. Collection method: clinical testing. Allele origin: germline.
Comment: The p.C122Y variant (also known as c.365G>A), located in coding exon 1 of the KCNJ2 gene, results from a G to A substitution at nucleotide position 365. The cysteine at codon 122 is replaced by tyrosine, an amino acid with highly dissimilar properties. This alteration has been seen in individuals referred for genetic testing of long QT syndrome; however, limited clinical information was available (Tester DJ et al. Heart Rhythm, 2005 May;2:507-17). This amino acid position is highly conserved in available vertebrate species. In addition, this alteration is predicted to be deleterious by in silico analysis. Since supporting evidence is limited at this time, the clinical significance of this alteration remains unclear.

Literature cited by the submitters: PubMed 15840476.

NM_000891.3(KCNJ2):c.365G>A (p.Cys122Tyr)

Gene: KCNJ2 (potassium inwardly rectifying channel subfamily J member 2; plus strand). Cytogenetic location: 17q24.3.
Variant type: single nucleotide variant.
Coding change: c.365G>A on transcript NM_000891.3 (MANE Select); coding-DNA position 365, G replaced by A.
Protein change: p.Cys122Tyr; replaces cysteine 122 with tyrosine.
Molecular consequence: missense variant.
Genome position (GRCh38, 1-based): chr17:70,175,404, G>A. VCF-style: chr17-70175404-G-A. GRCh37 (hg19) VCF-style: chr17-68171545-G-A.
Other names: short protein forms C122Y.
Identifiers: ClinVar variation 519550 (VCV000519550.5), dbSNP rs1555603931, ClinGen allele CA400860437.